The following is an entry in ClinVar:

NM_000245.4(MET):c.3094T>A (p.Ser1032Thr)

Gene: MET (MET proto-oncogene, receptor tyrosine kinase; plus strand). Cytogenetic location: 7q31.2.
Variant type: single nucleotide variant.
Coding change: c.3094T>A on transcript NM_000245.4 (MANE Select); coding-DNA position 3094, T replaced by A.
Protein change: p.Ser1032Thr; replaces serine 1032 with threonine.
Molecular consequence: missense variant.
Genome position (GRCh38, 1-based): chr7:116,774,946, T>A. VCF-style: chr7-116774946-T-A. GRCh37 (hg19) VCF-style: chr7-116415000-T-A.
Other names: c.3148T>A, p.Ser1050Thr (NM_001127500.3); c.1804T>A, p.Ser602Thr (NM_001324402.2); short protein forms S1032T, S1050T, S602T.
Identifiers: ClinVar variation 1054951 (VCV001054951.8), dbSNP rs2117030307, ClinGen allele CA368988066.

ClinVar aggregate classification (germline): Uncertain significance (1 of 4 stars; one submission).

Conditions:
Renal cell carcinoma. Identifiers: Orphanet 217071, MedGen C0007134, MeSH D002292, MONDO:0005086, HP:0005584.

Submission:

Labcorp Genetics (formerly Invitae), Labcorp
Classification: Uncertain significance for Renal cell carcinoma. Last evaluated: 2024-02-19. Review status: criteria provided, single submitter. Criteria: Invitae Variant Classification Sherloc (09022015). Collection method: clinical testing. Allele origin: germline.
Comment: This sequence change replaces serine, which is neutral and polar, with threonine, which is neutral and polar, at codon 1050 of the MET protein (p.Ser1050Thr). This variant is not present in population databases (gnomAD no frequency). This variant has not been reported in the literature in individuals affected with MET-related conditions. ClinVar contains an entry for this variant (Variation ID: 1054951). An algorithm developed to predict the effect of missense changes on protein structure and function (PolyPhen-2) suggests that this variant is likely to be disruptive. In summary, the available evidence is currently insufficient to determine the role of this variant in disease. Therefore, it has been classified as a Variant of Uncertain Significance.